The following is an entry in ClinVar:

NM_000525.4(KCNJ11):c.94A>G (p.Arg32Gly)

Gene: KCNJ11 (potassium inwardly rectifying channel subfamily J member 11; minus strand). Cytogenetic location: 11p15.1.
Variant type: single nucleotide variant.
Coding change: c.94A>G on transcript NM_000525.4 (MANE Select); coding-DNA position 94, A replaced by G.
Protein change: p.Arg32Gly; replaces arginine 32 with glycine.
Molecular consequence: missense variant. On other transcripts: intron variant (3).
Genome position (GRCh38, 1-based): chr11:17,387,998, T>C on the plus strand (A>G on the coding strand, the complement: KCNJ11 is on the minus strand). VCF-style: chr11-17387998-T-C. GRCh37 (hg19) VCF-style: chr11-17409545-T-C.
Other names: c.-16-152A>G (NM_001166290.2, NM_001377297.1); c.-17+20A>G (NM_001377296.1); short protein forms R32G.
Identifiers: ClinVar variation 4800390 (VCV004800390.1).

ClinVar aggregate classification (germline): Uncertain significance (1 of 4 stars; one submission).

Submission:

Labcorp Genetics (formerly Invitae), Labcorp
Classification: Uncertain significance. Last evaluated: 2025-09-10. Review status: criteria provided, single submitter. Criteria: Invitae Variant Classification Sherloc (09022015). Collection method: clinical testing. Allele origin: germline.
Comment: This sequence change replaces arginine, which is basic and polar, with glycine, which is neutral and non-polar, at codon 32 of the KCNJ11 protein (p.Arg32Gly). This variant is not present in population databases (gnomAD no frequency). This variant has not been reported in the literature in individuals affected with KCNJ11-related conditions. Invitae Evidence Modeling of protein sequence and biophysical properties (such as structural, functional, and spatial information, amino acid conservation, physicochemical variation, residue mobility, and thermodynamic stability) has been performed for this missense variant. However, the output from this modeling did not meet the statistical confidence thresholds required to predict the impact of this variant on KCNJ11 protein function. In summary, the available evidence is currently insufficient to determine the role of this variant in disease. Therefore, it has been classified as a Variant of Uncertain Significance.